The following is an entry in ClinVar:

NM_001378454.1(ALMS1):c.9684A>C (p.Glu3228Asp)

Gene: ALMS1 (ALMS1 centrosome and basal body associated protein; plus strand). Cytogenetic location: 2p13.1.
Variant type: single nucleotide variant.
Coding change: c.9684A>C on transcript NM_001378454.1 (MANE Select); coding-DNA position 9684, A replaced by C.
Protein change: p.Glu3228Asp; replaces glutamic acid 3228 with aspartic acid.
Molecular consequence: missense variant.
Genome position (GRCh38, 1-based): chr2:73,519,919, A>C. VCF-style: chr2-73519919-A-C. GRCh37 (hg19) VCF-style: chr2-73747046-A-C.
Other names: c.9687A>C, p.Glu3229Asp (NM_015120.4); short protein forms E3229D, E3228D.
Identifiers: ClinVar variation 1902249 (VCV001902249.2), dbSNP rs929255925, ClinGen allele CA50397886.
Genomic context (GRCh38, chr2:73,519,919, plus strand): 5'-TCCAGAAAAGACCCTATTTTCATCTGAGATTTTTATTAATGCTGAAGATCGTGGACATGA[A>C]ATTATAGAGCCTGGTAACCAGAAGCTACGCAAAGCTCCTGTCAAGTTTGCCTCATCATCT-3'
Protein context (NP_001365383.1, residues 3218-3238): IFINAEDRGH[Glu3228Asp]IIEPGNQKLR

ClinVar aggregate classification (germline): Uncertain significance (1 of 4 stars; one submission).

Conditions:
Alstrom syndrome (ALMS). Identifiers: Orphanet 64, MedGen C0268425, MONDO:0008763, OMIM 203800.

Allele frequency attached by ClinVar (database versions not stated): gnomAD 0.00001; gnomAD exomes 0.00001; TOPMed 0.00001.
gnomAD v4.1: 8 of 1,613,994 alleles (0.0005%); highest among the groups gnomAD compares: Non-Finnish European, 0.00059%; no homozygotes.

Submission:

Labcorp Genetics (formerly Invitae), Labcorp
Classification: Uncertain significance for Alstrom syndrome. Last evaluated: 2020-12-22. Review status: criteria provided, single submitter. Criteria: Invitae Variant Classification Sherloc (09022015). Collection method: clinical testing. Allele origin: germline.
Comment: This sequence change replaces glutamic acid with aspartic acid at codon 3229 of the ALMS1 protein (p.Glu3229Asp). The glutamic acid residue is weakly conserved and there is a small physicochemical difference between glutamic acid and aspartic acid. This variant is not present in population databases (ExAC no frequency). This variant has not been reported in the literature in individuals with ALMS1-related conditions. Experimental studies and prediction algorithms are not available or were not evaluated, and the functional significance of this variant is currently unknown. In summary, the available evidence is currently insufficient to determine the role of this variant in disease. Therefore, it has been classified as a Variant of Uncertain Significance.